The following is an entry in ClinVar:

ClinVar aggregate classification (germline): Uncertain significance (1 of 4 stars; one submission).

Conditions:
Mosaic variegated aneuploidy syndrome 1 (MVA1). Also called: Warburton-Anyane-Yeboa syndrome. Identifiers: Orphanet 1052, MedGen C1850343, MONDO:0009759, OMIM 257300.

Submission:

Labcorp Genetics (formerly Invitae), Labcorp
Classification: Uncertain significance for Mosaic variegated aneuploidy syndrome 1. Last evaluated: 2025-12-17. Review status: criteria provided, single submitter. Criteria: Invitae Variant Classification Sherloc (09022015). Collection method: clinical testing. Allele origin: germline.
Comment: This sequence change replaces lysine, which is basic and polar, with glutamic acid, which is acidic and polar, at codon 995 of the BUB1B protein (p.Lys995Glu). This variant is not present in population databases (gnomAD no frequency). This variant has not been reported in the literature in individuals affected with BUB1B-related conditions. An algorithm developed to predict the effect of missense changes on protein structure and function (PolyPhen-2) suggests that this variant is likely to be disruptive. In summary, the available evidence is currently insufficient to determine the role of this variant in disease. Therefore, it has been classified as a Variant of Uncertain Significance.

NM_001211.6(BUB1B):c.2983A>G (p.Lys995Glu)

Genes: BUB1B (BUB1 mitotic checkpoint serine/threonine kinase B; plus strand), BUB1B-PAK6 (BUB1B-PAK6 readthrough; plus strand). Cytogenetic location: 15q15.1.
Variant type: single nucleotide variant.
Coding change: c.2983A>G on transcript NM_001211.6 (MANE Select); coding-DNA position 2983, A replaced by G.
Protein change: p.Lys995Glu; replaces lysine 995 with glutamic acid.
Molecular consequence: missense variant. On other transcripts: intron variant (2).
Genome position (GRCh38, 1-based): chr15:40,220,589, A>G. VCF-style: chr15-40220589-A-G. GRCh37 (hg19) VCF-style: chr15-40512790-A-G.
Other names: c.-201+2922A>G (NM_001128628.3); c.-118+2922A>G (NM_001128629.3); short protein forms K995E.
Identifiers: ClinVar variation 4760647 (VCV004760647.1).
Genomic context (GRCh38, chr15:40,220,589, plus strand): 5'-CTAATCTTGATGGAAATGGTTTTATATATTTTTAGGCTAAAAGATGGTGAATTGTGGAAT[A>G]AATTCTTTGTGCGGATTCTGAATGCCAATGATGAGGCCACAGTGTCTGTTCTTGGGGAGC-3'
Protein context (NP_001202.5, residues 985-1005): SELKDGELWN[Lys995Glu]FFVRILNAND